The following is an entry in ClinVar:

ClinVar aggregate classification (germline): Benign (1 of 4 stars; one submission).

Allele frequency attached by ClinVar (database versions not stated): gnomAD exomes 0.00513; 1000 Genomes Project 0.04633; TOPMed 0.05131; gnomAD 0.07447 and 0.07848.
gnomAD v4.1: 9,841 of 640,940 alleles (1.5%); highest among the groups gnomAD compares: African/African-American, 23%; 711 homozygotes.

Submission:

GeneDx
Classification: Benign. Last evaluated: 2018-06-16. Review status: criteria provided, single submitter. Criteria: GeneDx Variant Classification (06012015). Collection method: clinical testing. Allele origin: germline. Affected: yes.
Comment: This variant is considered likely benign or benign based on one or more of the following criteria: it is a conservative change, it occurs at a poorly conserved position in the protein, it is predicted to be benign by multiple in silico algorithms, and/or has population frequency not consistent with disease.

NM_006846.4(SPINK5):c.81+165C>T

Gene: SPINK5 (serine peptidase inhibitor Kazal type 5; plus strand). Cytogenetic location: 5q32.
Variant type: single nucleotide variant.
Coding change: c.81+165C>T on transcript NM_006846.4 (MANE Select); 165 bases into the intron after coding-DNA position 81, C replaced by T.
Molecular consequence: intron variant.
Genome position (GRCh38, 1-based): chr5:148,065,537, C>T. VCF-style: chr5-148065537-C-T. GRCh37 (hg19) VCF-style: chr5-147445100-C-T.
Other names: c.81+165C>T (NM_001127698.2, NM_001127699.2).
Identifiers: ClinVar variation 677107 (VCV000677107.1), dbSNP rs78365969, ClinGen allele CA129717102.